The following is an entry in ClinVar:

NM_016341.4(PLCE1):c.1207-43031G>A

Genes: PLCE1-AS2 (PLCE1 antisense RNA 2; minus strand), PLCE1 (phospholipase C epsilon 1; plus strand). Cytogenetic location: 10q23.33.
Variant type: single nucleotide variant.
Coding change: c.1207-43031G>A on transcript NM_016341.4 (MANE Select); 43031 bases into the intron before coding-DNA position 1207, G replaced by A.
Molecular consequence: intron variant. On other transcripts: missense variant (1).
Genome position (GRCh38, 1-based): chr10:94,089,143, G>A. VCF-style: chr10-94089143-G-A. GRCh37 (hg19) VCF-style: chr10-95848900-G-A.
Other names: c.49G>A, p.Glu17Lys (NM_001165979.2); c.1207-43031G>A (NM_001288989.2); short protein forms E17K.
Identifiers: ClinVar variation 1805312 (VCV001805312.1), dbSNP rs771771416, ClinGen allele CA5612267.

ClinVar aggregate classification (germline): Uncertain significance (1 of 4 stars; one submission).

Conditions:
Nephrotic syndrome, type 3 (NPHS3). Also called: NEPHROTIC SYNDROME, EARLY-ONSET, TYPE 3. Identifiers: Orphanet 656, MedGen C1853124, MONDO:0012546, OMIM 610725.

Allele frequency attached by ClinVar (database versions not stated): gnomAD exomes below 0.00001; ExAC 0.00001.
gnomAD v4.1: 2 of 1,614,012 alleles (0.00012%); highest among the groups gnomAD compares: East Asian, 0.0045%; no homozygotes.

Submission:

Victorian Clinical Genetics Services, Murdoch Childrens Research Institute
Classification: Uncertain significance for Nephrotic syndrome, type 3. Last evaluated: 2020-06-11. Review status: criteria provided, single submitter. Criteria: ACMG Guidelines, 2015. Collection method: clinical testing. Allele origin: germline. Inheritance: Autosomal recessive inheritance.
Comment: Based on the classification scheme VCGS_Germline_v1.1.1, this variant is classified as 3B-VUS. Following criteria are met: 0102 - Loss-of-function is a known mechanism of disease for this gene. (N) 0106 - This gene is known to be associated with autosomal recessive disease. (N) 0200 - Variant is predicted to result in a missense amino acid change from glutamic acid to lysine (exon 1). (N) 0251 - Variant is heterozygous. (N) 0304 - Variant is present in gnomAD <0.01 for a recessive condition (1 heterozygote, 0 homozygotes). (P) 0502 - Missense variant with conflicting in silico predictions and/or uninformative conservation. (N) 0604 - Variant is not located in an established domain, motif, hotspot or informative constraint region. (N) 0705 - No comparable variants have previous evidence for pathogenicity. (N) 0807 - Variant has not previously been reported in a clinical context. (N) 0905 - No segregation evidence has been identified for this variant. (N) 1007 - No published functional evidence has been identified for this variant. (N) 1208 - Inheritance information for this variant is not currently available. (N) Legend: (P) - Pathogenic, (N) - Neutral, (B) - Benign